The following is an entry in ClinVar:

NM_003106.4(SOX2):c.278dup (p.Ala94fs)

Genes: SOX2 (SRY-box transcription factor 2; plus strand), SOX2-OT (SOX2 overlapping transcript; plus strand), LOC108281177 (SOX2 5' regulatory region; plus strand). Cytogenetic location: 3q26.33.
Variant type: Duplication.
Coding change: c.278dup on transcript NM_003106.4 (MANE Select); coding-DNA position 278, one base duplicated (A; older notation c.278dupA).
Protein change: p.Ala94fs; shifts the reading frame from alanine 94.
Molecular consequence: frameshift variant.
Genome position (GRCh38, 1-based): chr3:181,712,638, A duplicated. VCF-style (leftmost placement, unchanged base first): chr3-181712637-G-GA. GRCh37 (hg19) VCF-style: chr3-181430425-G-GA.
Other names: short protein forms A94fs.
Identifiers: ClinVar variation 2630457 (VCV002630457.1), dbSNP rs2473717827, ClinGen allele CA2695199335.
Genomic context (GRCh38, chr3:181,712,637, plus strand): 5'-AAGCGCCTGGGCGCCGAGTGGAAACTTTTGTCGGAGACGGAGAAGCGGCCGTTCATCGAC[G>GA]AGGCTAAGCGGCTGCGAGCGCTGCACATGAAGGAGCACCCGGATTATAAATACCGGCCCC-3'

ClinVar aggregate classification (germline): Likely pathogenic (1 of 4 stars; one submission).

Conditions:
SOX2-related disorder. Also called: SOX2-related condition.

Submission:

PreventionGenetics, part of Exact Sciences
Classification: Likely pathogenic for SOX2-related condition. Last evaluated: 2023-02-28. Review status: criteria provided, single submitter. Criteria: ACMG Guidelines, 2015. Collection method: clinical testing. Allele origin: germline.
Comment: The SOX2 c.278dupA variant is predicted to result in a frameshift and premature protein termination (p.Ala94Glyfs*2). To our knowledge, this variant has not been reported in the literature or in a large population database, indicating this variant is rare. Frameshift variants in SOX2 are expected to be pathogenic. This variant is interpreted as likely pathogenic.